The following is an entry in ClinVar:

NM_006009.4(TUBA1A):c.1081A>G (p.Thr361Ala)

Gene: TUBA1A (tubulin alpha 1a; minus strand). Cytogenetic location: 12q13.12.
Variant type: single nucleotide variant.
Coding change: c.1081A>G on transcript NM_006009.4 (MANE Select); coding-DNA position 1081, A replaced by G.
Protein change: p.Thr361Ala; replaces threonine 361 with alanine.
Molecular consequence: missense variant.
Genome position (GRCh38, 1-based): chr12:49,185,285, T>C on the plus strand (A>G on the coding strand, the complement: TUBA1A is on the minus strand). VCF-style: chr12-49185285-T-C. GRCh37 (hg19) VCF-style: chr12-49579068-T-C.
Other names: c.1081A>G, p.Thr361Ala (NM_001270399.2); c.976A>G, p.Thr326Ala (NM_001270400.2); short protein forms T361A, T326A.
Identifiers: ClinVar variation 2000488 (VCV002000488.4), dbSNP rs2498859489, ClinGen allele CA384636230.

ClinVar aggregate classification (germline): Uncertain significance (1 of 4 stars; one submission).

Submission:

Labcorp Genetics (formerly Invitae), Labcorp
Classification: Uncertain significance. Last evaluated: 2022-06-10. Review status: criteria provided, single submitter. Criteria: Invitae Variant Classification Sherloc (09022015). Collection method: clinical testing. Allele origin: germline.
Comment: This sequence change replaces threonine, which is neutral and polar, with alanine, which is neutral and non-polar, at codon 361 of the TUBA1A protein (p.Thr361Ala). This variant is not present in population databases (gnomAD no frequency). This variant has not been reported in the literature in individuals affected with TUBA1A-related conditions. Algorithms developed to predict the effect of missense changes on protein structure and function are either unavailable or do not agree on the potential impact of this missense change (SIFT: "Deleterious"; PolyPhen-2: "Benign"; Align-GVGD: "Class C55"). In summary, the available evidence is currently insufficient to determine the role of this variant in disease. Therefore, it has been classified as a Variant of Uncertain Significance.